The following is an entry in ClinVar:

NM_002439.5(MSH3):c.3368C>T (p.Thr1123Ile)

Gene: MSH3 (mutS homolog 3; plus strand). Cytogenetic location: 5q14.1.
Variant type: single nucleotide variant.
Coding change: c.3368C>T on transcript NM_002439.5 (MANE Select); coding-DNA position 3368, C replaced by T.
Protein change: p.Thr1123Ile; replaces threonine 1123 with isoleucine.
Molecular consequence: missense variant.
Genome position (GRCh38, 1-based): chr5:80,875,816, C>T. VCF-style: chr5-80875816-C-T. GRCh37 (hg19) VCF-style: chr5-80171635-C-T.
Other names: short protein forms T1123I.
Identifiers: ClinVar variation 1008409 (VCV001008409.11), dbSNP rs1043139375, ClinGen allele CA360347413.

ClinVar aggregate classification (germline): Uncertain significance. Review status: criteria provided, multiple submitters, no conflicts (2 of 4 stars). 2 submissions from 2 submitters: Uncertain significance (2). Last evaluated 2025-12-02.

Conditions:
Hereditary cancer-predisposing syndrome. Also called: Tumor predisposition; Hereditary neoplastic syndrome; Neoplastic Syndromes, Hereditary; Hereditary Cancer Syndrome. Identifiers: Orphanet 140162, MedGen C0027672, MeSH D009386, MONDO:0015356.

Submissions (2):

Labcorp Genetics (formerly Invitae), Labcorp
Classification: Uncertain significance. Last evaluated: 2025-12-02. Review status: criteria provided, single submitter. Criteria: Invitae Variant Classification Sherloc (09022015). Collection method: clinical testing. Allele origin: germline.
Comment: This sequence change replaces threonine, which is neutral and polar, with isoleucine, which is neutral and non-polar, at codon 1123 of the MSH3 protein (p.Thr1123Ile). This variant is not present in population databases (gnomAD no frequency). This variant has not been reported in the literature in individuals affected with MSH3-related conditions. ClinVar contains an entry for this variant (Variation ID: 1008409). An algorithm developed to predict the effect of missense changes on protein structure and function (PolyPhen-2) suggests that this variant is likely to be tolerated. In summary, the available evidence is currently insufficient to determine the role of this variant in disease. Therefore, it has been classified as a Variant of Uncertain Significance.

Ambry Genetics
Classification: Uncertain significance for Hereditary cancer-predisposing syndrome. Last evaluated: 2023-01-16. Review status: criteria provided, single submitter. Criteria: Ambry Variant Classification Scheme 2023. Collection method: clinical testing. Allele origin: germline.
Comment: The p.T1123I variant (also known as c.3368C>T), located in coding exon 24 of the MSH3 gene, results from a C to T substitution at nucleotide position 3368. The threonine at codon 1123 is replaced by isoleucine, an amino acid with similar properties. This amino acid position is not well conserved in available vertebrate species. In addition, this alteration is predicted to be tolerated by in silico analysis. Since supporting evidence is limited at this time, the clinical significance of this alteration remains unclear.